The following is an entry in ClinVar:

NM_005732.4(RAD50):c.349G>T (p.Val117Phe)

Gene: RAD50 (RAD50 double strand break repair protein; plus strand). Cytogenetic location: 5q31.1.
Variant type: single nucleotide variant.
Coding change: c.349G>T on transcript NM_005732.4 (MANE Select); coding-DNA position 349, G replaced by T.
Protein change: p.Val117Phe; replaces valine 117 with phenylalanine.
Molecular consequence: missense variant.
Genome position (GRCh38, 1-based): chr5:132,575,912, G>T. VCF-style: chr5-132575912-G-T. GRCh37 (hg19) VCF-style: chr5-131911604-G-T.
Other names: short protein forms V117F.
Identifiers: ClinVar variation 480401 (VCV000480401.17), dbSNP rs1237021808, ClinGen allele CA360931432.

ClinVar aggregate classification (germline): Uncertain significance. Review status: criteria provided, multiple submitters, no conflicts (2 of 4 stars). 2 submissions from 2 submitters: Uncertain significance (2). Last evaluated 2024-10-24.

Conditions:
Nijmegen breakage syndrome-like disorder (NBSLD). Also called: MICROCEPHALY AND SPONTANEOUS CHROMOSOME INSTABILITY WITHOUT IMMUNODEFICIENCY; NBS-LIKE DISORDER; RAD50 DEFICIENCY. Identifiers: Orphanet 240760, MedGen C2751318, MONDO:0013118, OMIM 613078.
Hereditary cancer-predisposing syndrome. Also called: Hereditary Cancer Syndrome; Neoplastic Syndromes, Hereditary; Tumor predisposition; Hereditary neoplastic syndrome. Identifiers: Orphanet 140162, MedGen C0027672, MeSH D009386, MONDO:0015356.

Allele frequency attached by ClinVar (database versions not stated): gnomAD 0.00001; TOPMed 0.00001.
gnomAD v4.1: 2 of 1,610,274 alleles (0.00012%); highest among the groups gnomAD compares: Non-Finnish European, 0.00017%; no homozygotes.

Submissions (2):

Labcorp Genetics (formerly Invitae), Labcorp
Classification: Uncertain significance for Hereditary cancer-predisposing syndrome. Last evaluated: 2024-10-24. Review status: criteria provided, single submitter. Criteria: Invitae Variant Classification Sherloc (09022015). Collection method: clinical testing. Allele origin: germline.
Comment: This sequence change replaces valine, which is neutral and non-polar, with phenylalanine, which is neutral and non-polar, at codon 117 of the RAD50 protein (p.Val117Phe). This variant is present in population databases (no rsID available, gnomAD 0.007%). This variant has not been reported in the literature in individuals affected with RAD50-related conditions. ClinVar contains an entry for this variant (Variation ID: 480401). Invitae Evidence Modeling of protein sequence and biophysical properties (such as structural, functional, and spatial information, amino acid conservation, physicochemical variation, residue mobility, and thermodynamic stability) indicates that this missense variant is expected to disrupt RAD50 protein function with a positive predictive value of 80%. In summary, the available evidence is currently insufficient to determine the role of this variant in disease. Therefore, it has been classified as a Variant of Uncertain Significance.

Ambry Genetics
Classification: Uncertain significance for Hereditary cancer-predisposing syndrome. Last evaluated: 2023-08-25. Review status: criteria provided, single submitter. Criteria: Ambry Variant Classification Scheme 2023. Collection method: clinical testing. Allele origin: germline.
Comment: The p.V117F variant (also known as c.349G>T), located in coding exon 3 of the RAD50 gene, results from a G to T substitution at nucleotide position 349. The valine at codon 117 is replaced by phenylalanine, an amino acid with highly similar properties. This amino acid position is well conserved in available vertebrate species. In addition, the in silico prediction for this alteration is inconclusive. Since supporting evidence is limited at this time, the clinical significance of this alteration remains unclear.